The following is an entry in ClinVar:

NM_032193.4(RNASEH2C):c.321A>G (p.Gln107=)

Gene: RNASEH2C (ribonuclease H2 subunit C; minus strand). Cytogenetic location: 11q13.1.
Variant type: single nucleotide variant.
Coding change: c.321A>G on transcript NM_032193.4 (MANE Select); coding-DNA position 321, A replaced by G.
Protein change: p.Gln107=; no amino-acid change (glutamine 107 retained).
Molecular consequence: synonymous variant.
Genome position (GRCh38, 1-based): chr11:65,720,269, T>C on the plus strand (A>G on the coding strand, the complement: RNASEH2C is on the minus strand). VCF-style: chr11-65720269-T-C. GRCh37 (hg19) VCF-style: chr11-65487740-T-C.
Identifiers: ClinVar variation 3055200 (VCV003055200.2), dbSNP rs2495309911, ClinGen allele CA475473067.

ClinVar aggregate classification (germline): Likely benign (0 of 4 stars; one submission).

Conditions:
RNASEH2C-related disorder. Also called: RNASEH2C-related condition.

Submission:

PreventionGenetics, part of Exact Sciences
Classification: Likely benign for RNASEH2C-related condition. Last evaluated: 2023-08-29. Review status: no assertion criteria provided. Collection method: clinical testing. Allele origin: germline.
Comment: This variant is classified as likely benign based on ACMG/AMP sequence variant interpretation guidelines (Richards et al. 2015 PMID: 25741868, with internal and published modifications).